The following is an entry in ClinVar:

NM_001287.6(CLCN7):c.2013+6G>T

Gene: CLCN7 (chloride voltage-gated channel 7; minus strand). Cytogenetic location: 16p13.3.
Variant type: single nucleotide variant.
Coding change: c.2013+6G>T on transcript NM_001287.6 (MANE Select); 6 bases into the intron after coding-DNA position 2013, G replaced by T.
Molecular consequence: intron variant.
Genome position (GRCh38, 1-based): chr16:1,448,349, C>A on the plus strand (G>T on the coding strand, the complement: CLCN7 is on the minus strand). VCF-style: chr16-1448349-C-A. GRCh37 (hg19) VCF-style: chr16-1498350-C-A.
Other names: c.1941+6G>T (NM_001114331.3).
Identifiers: ClinVar variation 2066784 (VCV002066784.4), dbSNP rs200306235, ClinGen allele CA620698148.
Genomic context (GRCh38, chr16:1,448,349, plus strand): 5'-TGCTTCCCACCAATGGACTCGACAGAGGTCACATAGGCAGGACCCTGTCTATGGGGTGCC[C>A]GGTACCTGGGTGTCATCGGCATGCTCCACCACGGGGAAGCCGTTGTGATTGGACGCCGTG-3'

ClinVar aggregate classification (germline): Uncertain significance (1 of 4 stars; one submission).

gnomAD v4.1: 1 of 1,612,594 alleles (0.000062%); highest among the groups gnomAD compares: African/African-American, 0.0013%; no homozygotes.

Submission:

Labcorp Genetics (formerly Invitae), Labcorp
Classification: Uncertain significance. Last evaluated: 2021-12-30. Review status: criteria provided, single submitter. Criteria: Invitae Variant Classification Sherloc (09022015). Collection method: clinical testing. Allele origin: germline.
Comment: In summary, the available evidence is currently insufficient to determine the role of this variant in disease. Therefore, it has been classified as a Variant of Uncertain Significance. Variants that disrupt the consensus splice site are a relatively common cause of aberrant splicing (PMID: 17576681, 9536098). Algorithms developed to predict the effect of sequence changes on RNA splicing suggest that this variant may disrupt the consensus splice site. This variant has not been reported in the literature in individuals affected with CLCN7-related conditions. This variant is present in population databases (no rsID available, gnomAD 0.01%). This sequence change falls in intron 21 of the CLCN7 gene. It does not directly change the encoded amino acid sequence of the CLCN7 protein. It affects a nucleotide within the consensus splice site.

Literature cited by the submitters: PubMed 17576681; PubMed 9536098.